The following is an entry in ClinVar:

NM_015214.3(DDHD2):c.1751T>C (p.Met584Thr)

Gene: DDHD2 (DDHD domain containing 2; plus strand). Cytogenetic location: 8p11.23.
Variant type: single nucleotide variant.
Coding change: c.1751T>C on transcript NM_015214.3 (MANE Select); coding-DNA position 1751, T replaced by C.
Protein change: p.Met584Thr; replaces methionine 584 with threonine.
Molecular consequence: missense variant. On other transcripts: non-coding transcript variant (2).
Genome position (GRCh38, 1-based): chr8:38,252,987, T>C. VCF-style: chr8-38252987-T-C. GRCh37 (hg19) VCF-style: chr8-38110505-T-C.
Other names: c.1751T>C, p.Met584Thr (NM_001164232.2, NM_001362911.2, NM_001362912.2 and 1 more transcripts); c.1661T>C, p.Met554Thr (NM_001362913.2); short protein forms M554T, M584T.
Identifiers: ClinVar variation 1203372 (VCV001203372.3), dbSNP rs1806230998, ClinGen allele CA370694990.
Genomic context (GRCh38, chr8:38,252,987, plus strand): 5'-CATTTAATGTTCTTTATTTATATGTTTCAGAACTGAGAGAGGGCTTGACCAGGATGAGTA[T>C]GGACCTTAAGAACAACTTGCTAGGTTCGCTGCGGATGGCCTGGAAGTCTTTTACCAGAGC-3'
Protein context (NP_056029.2, residues 574-594): ELREGLTRMS[Met584Thr]DLKNNLLGSL

ClinVar aggregate classification (germline): Uncertain significance (1 of 4 stars; one submission).

Allele frequency attached by ClinVar (database versions not stated): gnomAD exomes below 0.00001; TOPMed below 0.00001.
gnomAD v4.1: 4 of 1,614,166 alleles (0.00025%); highest among the groups gnomAD compares: Middle Eastern, 0.016%; no homozygotes.

Submission:

GeneDx
Classification: Uncertain significance. Last evaluated: 2019-01-28. Review status: criteria provided, single submitter. Criteria: GeneDx Variant Classification Process June 2021. Collection method: clinical testing. Allele origin: germline. Affected: yes.
Comment: Not observed in large population cohorts (Lek et al., 2016); In silico analysis, which includes protein predictors and evolutionary conservation, supports that this variant does not alter protein structure/function